The following is an entry in ClinVar:

NM_002972.4(SBF1):c.1636+4C>T

Gene: SBF1 (SET binding factor 1; minus strand). Cytogenetic location: 22q13.33.
Variant type: single nucleotide variant.
Coding change: c.1636+4C>T on transcript NM_002972.4 (MANE Select); 4 bases into the intron after coding-DNA position 1636, C replaced by T.
Molecular consequence: intron variant.
Genome position (GRCh38, 1-based): chr22:50,464,530, G>A on the plus strand (C>T on the coding strand, the complement: SBF1 is on the minus strand). VCF-style: chr22-50464530-G-A. GRCh37 (hg19) VCF-style: chr22-50902959-G-A.
Other names: c.1639+4C>T (NM_001365819.1).
Identifiers: ClinVar variation 1309897 (VCV001309897.3), dbSNP rs564915156, ClinGen allele CA10317598.

ClinVar aggregate classification (germline): Uncertain significance. Review status: criteria provided, multiple submitters, no conflicts (2 of 4 stars). 2 submissions from 2 submitters: Uncertain significance (2). Last evaluated 2022-03-24.

Allele frequency attached by ClinVar (database versions not stated): gnomAD 0.00001; TOPMed 0.00001; ExAC 0.00003; 1000 Genomes Project 30x 0.00016; 1000 Genomes Project 0.00020.
gnomAD v4.1: 20 of 1,606,284 alleles (0.0012%); highest among the groups gnomAD compares: South Asian, 0.0033%; no homozygotes.

Submissions (2):

Labcorp Genetics (formerly Invitae), Labcorp
Classification: Uncertain significance. Last evaluated: 2022-03-24. Review status: criteria provided, single submitter. Criteria: Invitae Variant Classification Sherloc (09022015). Collection method: clinical testing. Allele origin: germline.
Comment: This sequence change falls in intron 14 of the SBF1 gene. It does not directly change the encoded amino acid sequence of the SBF1 protein. It affects a nucleotide within the consensus splice site. This variant is present in population databases (rs564915156, gnomAD 0.007%). This variant has not been reported in the literature in individuals affected with SBF1-related conditions. ClinVar contains an entry for this variant (Variation ID: 1309897). Variants that disrupt the consensus splice site are a relatively common cause of aberrant splicing (PMID: 17576681, 9536098). Algorithms developed to predict the effect of sequence changes on RNA splicing suggest that this variant may create or strengthen a splice site. In summary, the available evidence is currently insufficient to determine the role of this variant in disease. Therefore, it has been classified as a Variant of Uncertain Significance.

GeneDx
Classification: Uncertain significance. Last evaluated: 2019-11-04. Review status: criteria provided, single submitter. Criteria: GeneDx Variant Classification Process June 2021. Collection method: clinical testing. Allele origin: germline. Affected: yes.
Comment: Not observed at a significant frequency in large population cohorts (Lek et al., 2016); In-silico analysis, which includes splice predictors and evolutionary conservation, is inconclusive as to whether the variant alters gene splicing. In the absence of RNA/functional studies, the actual effect of this sequence change is unknown.; Has not been previously published as pathogenic or benign to our knowledge

Literature cited by the submitters: PubMed 17576681 (cited by Labcorp Genetics (formerly Invitae), Labcorp); PubMed 9536098 (cited by Labcorp Genetics (formerly Invitae), Labcorp).